The following is an entry in ClinVar:

ClinVar aggregate classification (germline): Likely benign (0 of 4 stars; one submission).

Conditions:
DNAH2-related disorder. Also called: DNAH2-related condition.

Allele frequency attached by ClinVar (database versions not stated): gnomAD 0.00003; TOPMed 0.00004.

Submission:

PreventionGenetics, part of Exact Sciences
Classification: Likely benign for DNAH2-related condition. Last evaluated: 2019-09-18. Review status: no assertion criteria provided. Collection method: clinical testing. Allele origin: germline.
Comment: This variant is classified as likely benign based on ACMG/AMP sequence variant interpretation guidelines (Richards et al. 2015 PMID: 25741868, with internal and published modifications).

NM_020877.5(DNAH2):c.3179+4C>T

Gene: DNAH2 (dynein axonemal heavy chain 2; plus strand). Cytogenetic location: 17p13.1.
Variant type: single nucleotide variant.
Coding change: c.3179+4C>T on transcript NM_020877.5 (MANE Select); 4 bases into the intron after coding-DNA position 3179, C replaced by T.
Molecular consequence: intron variant.
Genome position (GRCh38, 1-based): chr17:7,764,035, C>T. VCF-style: chr17-7764035-C-T. GRCh37 (hg19) VCF-style: chr17-7667353-C-T.
Identifiers: ClinVar variation 3040508 (VCV003040508.2), dbSNP rs764544377, ClinGen allele CA8356674.